The following continues an entry in ClinVar:

NM_000059.4(BRCA2):c.9976A>T (p.Lys3326Ter)

Gene: BRCA2. ClinVar aggregate classification (germline): Benign. Benign (1).

Submissions 46 to 53 of 53:

Breast Cancer Information Core (BIC) (BRCA2)
Classification: Benign for Breast-ovarian cancer, familial 2. Last evaluated: 2002-05-29. Review status: no assertion criteria provided. Collection method: clinical testing. Allele origin: germline, unknown. Affected: yes. Observed: 305 variant alleles. Not counted in ClinVar's aggregate classification.

Clinical Genetics Laboratory, Department of Pathology, Netherlands Cancer Institute
Classification: Benign. Review status: no assertion criteria provided. Collection method: clinical testing. Allele origin: germline. Affected: yes. Study: VKGL Data-share Consensus. Not counted in ClinVar's aggregate classification.

Department of Pathology and Laboratory Medicine, Sinai Health System
Classification: Likely benign for Malignant tumor of breast. Review status: no assertion criteria provided. Collection method: clinical testing. Allele origin: unknown. Affected: yes. Study: The Canadian Open Genetics Repository (COGR). Not counted in ClinVar's aggregate classification.
Comment: The BRCA2 p.Lys3326X variant was identified in 1577 of 158144 proband chromosomes (frequency: 0.010) from various ethnicities in multinational cohorts of individuals or families with breast and ovarian cancer and was present in 1414 of 167882 control chromosomes (frequency: 0.008) from healthy individuals (Hadjisavvas 2004 15172753, Wagner 1999 9971877, Borg 2010 20104584, Claes 2003 12759930, Meeks 2016 26586665). The variant was also identified in dbSNP (ID: rs11571833) as â€šÃ„ÃºWith other alleleâ€šÃ„Ã¹, ClinVar (Benign by ENIGMA, DVD CHOP, Michigan Medical Genetics, CSER_CC_NCGL University of Washington Medical Center, Colour Genomics, Prevention Genetics, Invitae, Counsyl, Ambry Genetics, Laboatroy Corporation of America Study Description, Children's Mercy Hospital, Fulgent, Cancer Genetic and Genomic Laboratory BC, EGL Genetic Diagnostics, Queen's University Department of Pathology, ARUP, Women's College Hospital, BIC, SCRP, and Biesecker Lab, as likely benign by Illumina, CHEO, and Pathway Genomics and as pathogenic by GeneReviews.), in ClinVitae (7x as Benign in 4 entries including 3 from ClinVar and 1 from EmyClass, as Conflicting interpretations of pathogenicity from Invitae and ClinVar, and as a polymorphism by kConFab), COSMIC (1x observed in alveolar rhabdomyosarcoma, as neutral), LOVD 3.0 (65x as does not affect function, affect unknown or unclassified), UMD-LSDB (114 entries, classified as neutral and reported as co-occuring with pathogenic BRCA2 and BRCA1 variants), BIC Database (301 entries, classification pending), and ARUP Laboratories (classified as not pathogenic or of no clinical significance). The variant was not identified in MutDB, or the Zhejiang Colon Cancer Database. The variant was also identified by our laboratory in 111 individuals with breast, ovarian, pancreatic, or brain cancer. The variant was identified in control databases in 1782 of 276718 chromosomes (13 homozygous) at a frequency of 0.006 increasing the likelihood this could be a low frequency benign variant (Genome Aggregation Database Feb 27, 2017). Breakdown of the observations by population include African in 35 of 23984 chromosomes (freq: 0.001), Other in 48 of 6448 chromosomes (freq: 0.007), Latino in 95 of 34342 chromosomes (freq: 0.003), European Non-Finnish in 1089 of 126410 chromosomes (freq: 0.009), Ashkenazi Jewish in 41 of 10146 chromosomes (freq: 0.004), European Finnish in 266 of 25780 chromosomes (freq: 0.01), and South Asian in 208 of 30764 chromosomes (freq: 0.007) while the variant was not observed in the East Asian population. The c.9976A>T variant leads to a premature stop codon in the penultimate exon of BRCA2 and is predicted to cause a truncation of the last 93 amino acids. There is conflicting evidence in the literature regarding the significance of this variant. The variant was shown to have a 1.26 fold increase in breast cancer risk (in heterozygous form) or 5.78 increase risk (in homozygous form) (95% confidence interval p=1.2x10-5) and/or is in linkage disequilibrium with higher risk variants in a study looking at SNPs selected on the basis of genome wide association studies, genotyped in 45,290 cases and 41,880 controls from 41 studies (Michailidou 2013 23535729). A more recent study of the c.9976A>T variant identified 852/41081 carriers of the variant in women with breast cancer, and 322/14514 with ovarian cancer. They determined an odds ratio of adjusted for the probability of carrying a pathogenic BRCA1/2 variant of 1.28 for the breast cancer group, 1.52 for the triple negative breast cancer group and 1.46 for the serous ovarian cancer group (Meeks 2016 26586665). A posterior probability model integrating causality models based on prior probability derived from evolutionary conservation and likelihoods of causality, indicate that this variant is not pathogenic (Lindor_2012_21990134). However, in vitro splicing assays on 31 BRCA2 variants showed this variant to be pathogenic despite not being pathogenic based on the posterior probability model (de Garibay_2013_24123850). Claes (2003 12759930) also found that 3 families carried the pathogenic 6503_6504delTT in addition to IVS24-16T>C and p.Lys3326X variants, such that the p.Lys3326X variant was in linkage disequilibrium with a true pathogenic mutation, this is also well documented on the UMD LSBD website and in additional studies (Meeks 2016_26586665, Mazoyer_1996_8896551, personal communication Myriad genetics). Case control studies have shown increased risk (1.30 to 5.00-fold) for oesophageal, pancreatic, lung and second primary breast cancers, however the clinical significance of these associations require confirmation or replication in additional studies (Martin_2005_15806175, Rudd_2006_16741161, Akbari_2011_21279724, Johnson_2007_17341484). Other conflicting evidence was seen in a study where this variant did not co-segregate with disease in a breast cancer family (Mazoyer_1996_8896551). However, homozygous or compound heterozygous variants in the BRCA2 gene have been reported to cause Fanconi anemia, and a cell line derived from one such patient carried the 10204A>T (c.9976A>T) variant and the 3033delAAAC deletion (Howlet_2002_12065746), increasing the likelihood that the p.Lys3326X variant may have clinical significance; other in vitro studies do not show any impact on BRCA2 function for the p.Lys3326X allele (Kuznetsov 2008 18607349, Farrugia 2008 18451181, Wu 2005 15695382). Despite the conflicting reports in the literature, the population data and the finding that no truncations downstream of this position have been reported to be pathogenic in the literature or databases (Laboratory Corporation of America, assessment August, 2016) strongly support a benign role for this variant. In summary, based on the above information this variant meets our laboratory's criteria to be classified as likely benign.

Diagnostic Laboratory, Department of Genetics, University Medical Center Groningen
Classification: Benign for Breast-ovarian cancer, familial, susceptibility to, 2. Review status: no assertion criteria provided. Collection method: clinical testing. Allele origin: germline. Affected: yes. Study: VKGL Data-share Consensus. Not counted in ClinVar's aggregate classification.

GeneReviews
No classification provided. Condition: Breast-ovarian cancer, familial, susceptibility to, 2. Review status: no classification provided. Collection method: literature only. Allele origin: germline. Affected: yes. Not counted in ClinVar's aggregate classification.

Joint Genome Diagnostic Labs from Nijmegen and Maastricht, Radboudumc and MUMC+
Classification: Benign. Review status: no assertion criteria provided. Collection method: clinical testing. Allele origin: germline. Affected: yes. Study: VKGL Data-share Consensus. Not counted in ClinVar's aggregate classification.

Laboratory of Diagnostic Genome Analysis, Leiden University Medical Center (LUMC)
Classification: Likely benign. Review status: no assertion criteria provided. Collection method: clinical testing. Allele origin: germline. Affected: yes. Study: VKGL Data-share Consensus. Not counted in ClinVar's aggregate classification.

National Health Laboratory Service, Universitas Academic Hospital and University of the Free State
Classification: Uncertain significance for Hereditary breast ovarian cancer syndrome. Last evaluated: 2022-04-19. Review status: flagged submission. Criteria: ACMG Guidelines, 2015. Collection method: clinical testing. Allele origin: germline. Affected: yes. Observed: 20 variant alleles. Not counted in ClinVar's aggregate classification.
ClinVar note: Reason: Outlier claim with insufficient supporting evidence

Literature cited by the submitters: PubMed 29988080 (cited by ClinGen ENIGMA BRCA1 and BRCA2 Variant Curation Expert Panel, ClinGen); PubMed 36329109 (cited by Genetics Program, Instituto Nacional de Cancer); PubMed 15695382 (cited by 3 submitters); PubMed 26586665 (cited by Quest Diagnostics Nichols Institute San Juan Capistrano and GeneReviews); PubMed 26455428 (cited by Quest Diagnostics Nichols Institute San Juan Capistrano); PubMed 24728327 (cited by Quest Diagnostics Nichols Institute San Juan Capistrano and ITMI); PubMed 24123850 (cited by Quest Diagnostics Nichols Institute San Juan Capistrano); PubMed 24348212 (cited by Quest Diagnostics Nichols Institute San Juan Capistrano and Pathway Genomics); PubMed 23535729 (cited by Quest Diagnostics Nichols Institute San Juan Capistrano); PubMed 21990134 (cited by Quest Diagnostics Nichols Institute San Juan Capistrano and Women's Health and Genetics/Laboratory Corporation of America, LabCorp); PubMed 21520273 (cited by Quest Diagnostics Nichols Institute San Juan Capistrano); PubMed 21279724 (cited by Quest Diagnostics Nichols Institute San Juan Capistrano); PubMed 20104584 (cited by Quest Diagnostics Nichols Institute San Juan Capistrano and Counsyl); PubMed 18607349 (cited by Quest Diagnostics Nichols Institute San Juan Capistrano); PubMed 18451181 (cited by Quest Diagnostics Nichols Institute San Juan Capistrano); PubMed 17341484 (cited by Quest Diagnostics Nichols Institute San Juan Capistrano); PubMed 16741161 (cited by Quest Diagnostics Nichols Institute San Juan Capistrano and Women's Health and Genetics/Laboratory Corporation of America, LabCorp); PubMed 15806175 (cited by Quest Diagnostics Nichols Institute San Juan Capistrano and Women's Health and Genetics/Laboratory Corporation of America, LabCorp); PubMed 15689453 (cited by Quest Diagnostics Nichols Institute San Juan Capistrano and Women's Health and Genetics/Laboratory Corporation of America, LabCorp); PubMed 15172753 (cited by Quest Diagnostics Nichols Institute San Juan Capistrano); PubMed 14559878 (cited by Women's Health and Genetics/Laboratory Corporation of America, LabCorp); PubMed 12097290 (cited by Women's Health and Genetics/Laboratory Corporation of America, LabCorp); PubMed 8896551 (cited by 4 submitters); PubMed 11389159 (cited by Counsyl); PubMed 9971877 (cited by Counsyl); NCBI Bookshelf NBK1247 (cited by GeneReviews); DOI 10.3389/fgene.2022.834265 (cited by National Health Laboratory Service, Universitas Academic Hospital and University of the Free State).